The following is an entry in ClinVar:

ClinVar aggregate classification (germline): Uncertain significance (1 of 4 stars; one submission).

Submission:

Labcorp Genetics (formerly Invitae), Labcorp
Classification: Uncertain significance. Last evaluated: 2025-09-29. Review status: criteria provided, single submitter. Criteria: Invitae Variant Classification Sherloc (09022015). Collection method: clinical testing. Allele origin: germline.
Comment: This sequence change replaces glycine, which is neutral and non-polar, with glutamic acid, which is acidic and polar, at codon 1258 of the BAZ2B protein (p.Gly1258Glu). This variant is not present in population databases (gnomAD no frequency). This variant has not been reported in the literature in individuals affected with BAZ2B-related conditions. An algorithm developed to predict the effect of missense changes on protein structure and function (PolyPhen-2) suggests that this variant is likely to be disruptive. In summary, the available evidence is currently insufficient to determine the role of this variant in disease. Therefore, it has been classified as a Variant of Uncertain Significance.

NM_013450.4(BAZ2B):c.3881G>A (p.Gly1294Glu)

Gene: BAZ2B (bromodomain adjacent to zinc finger domain 2B; minus strand). Cytogenetic location: 2q24.2.
Variant type: single nucleotide variant.
Coding change: c.3881G>A on transcript NM_013450.4 (MANE Select); coding-DNA position 3881, G replaced by A.
Protein change: p.Gly1294Glu; replaces glycine 1294 with glutamic acid.
Molecular consequence: missense variant.
Genome position (GRCh38, 1-based): chr2:159,382,683, C>T on the plus strand (G>A on the coding strand, the complement: BAZ2B is on the minus strand). VCF-style: chr2-159382683-C-T. GRCh37 (hg19) VCF-style: chr2-160239194-C-T.
Other names: c.3773G>A, p.Gly1258Glu (NM_001289975.1); c.3719G>A, p.Gly1240Glu (NM_001329857.2); c.3806G>A, p.Gly1269Glu (NM_001329858.2); short protein forms G1294E, G1240E, G1258E, G1269E.
Identifiers: ClinVar variation 4728094 (VCV004728094.1).